The following is an entry in ClinVar:

NM_001080517.3(SETD5):c.968C>G (p.Pro323Arg)

Gene: SETD5 (SET domain containing 5; plus strand). Cytogenetic location: 3p25.3.
Variant type: single nucleotide variant.
Coding change: c.968C>G on transcript NM_001080517.3 (MANE Select); coding-DNA position 968, C replaced by G.
Protein change: p.Pro323Arg; replaces proline 323 with arginine.
Molecular consequence: missense variant.
Genome position (GRCh38, 1-based): chr3:9,442,136, C>G. VCF-style: chr3-9442136-C-G. GRCh37 (hg19) VCF-style: chr3-9483820-C-G.
Other names: c.674C>G, p.Pro225Arg (NM_001292043.2, NM_001349451.2); short protein forms P225R, P323R.
Identifiers: ClinVar variation 2574459 (VCV002574459.2), dbSNP rs2472723100, ClinGen allele CA351689182.
Genomic context (GRCh38, chr3:9,442,136, plus strand): 5'-GTGGCCTTCTTATTTGTGTTGAGAATTACAGGAATTTTAATTGTATCCCTAGACCATACC[C>G]CTTTGTGCTCTTCTACTCAAAATTCAATGGTGTAGAGATGTGTGTGGATGCCCGTACTTT-3'
Protein context (NP_001073986.1, residues 313-333): VNGHFFKKPY[Pro323Arg]FVLFYSKFNG

ClinVar aggregate classification (germline): Uncertain significance (1 of 4 stars; one submission).

Submission:

GeneDx
Classification: Uncertain significance. Last evaluated: 2025-05-25. Review status: criteria provided, single submitter. Criteria: GeneDx Variant Classification Process June 2021. Collection method: clinical testing. Allele origin: germline. Affected: yes.
Comment: Not observed at significant frequency in large population cohorts (gnomAD); In silico analysis supports that this missense variant has a deleterious effect on protein structure/function; Has not been previously published as pathogenic or benign to our knowledge